The following is an entry in ClinVar:

NM_001126108.2(SLC12A3):c.536T>A (p.Val179Asp)

Gene: SLC12A3 (solute carrier family 12 member 3; plus strand). Cytogenetic location: 16q13.
Variant type: single nucleotide variant.
Coding change: c.536T>A on transcript NM_001126108.2 (MANE Select); coding-DNA position 536, T replaced by A.
Protein change: p.Val179Asp; replaces valine 179 with aspartic acid.
Molecular consequence: missense variant.
Genome position (GRCh38, 1-based): chr16:56,869,759, T>A. VCF-style: chr16-56869759-T-A. GRCh37 (hg19) VCF-style: chr16-56903671-T-A.
Other names: c.536T>A, p.Val179Asp (NM_000339.3); c.533T>A, p.Val178Asp (NM_001126107.2, NM_001410896.1); short protein forms V178D, V179D.
Identifiers: ClinVar variation 2736343 (VCV002736343.6), dbSNP rs1567426711, ClinGen allele CA395980898.

ClinVar aggregate classification (germline): Pathogenic/Likely pathogenic. Review status: criteria provided, multiple submitters, no conflicts (2 of 4 stars). 2 submissions from 2 submitters: Pathogenic (1); Likely pathogenic (1). Last evaluated 2023-09-21.

Conditions:
Familial hypokalemia-hypomagnesemia (GTLMNS). Also called: HYPOMAGNESEMIA-HYPOKALEMIA, PRIMARY RENOTUBULAR, WITH HYPOCALCIURIA; POTASSIUM AND MAGNESIUM DEPLETION; gitelman syndrome. Identifiers: Orphanet 358, MedGen C0268450, MONDO:0009904, OMIM 263800.

Allele frequency attached by ClinVar (database versions not stated): gnomAD exomes below 0.00001.
gnomAD v4.1: 1 of 1,614,200 alleles (0.000062%); highest among the groups gnomAD compares: East Asian, 0.0022%; no homozygotes.

Submissions (2):

Labcorp Genetics (formerly Invitae), Labcorp
Classification: Pathogenic. Last evaluated: 2023-09-21. Review status: criteria provided, single submitter. Criteria: Invitae Variant Classification Sherloc (09022015). Collection method: clinical testing. Allele origin: germline.
Comment: For these reasons, this variant has been classified as Pathogenic. Advanced modeling of protein sequence and biophysical properties (such as structural, functional, and spatial information, amino acid conservation, physicochemical variation, residue mobility, and thermodynamic stability) performed at Invitae indicates that this missense variant is expected to disrupt SLC12A3 protein function. This missense change has been observed in individuals with Gitelman syndrome (PMID: 26770037, 27454426, 33024786). This variant is not present in population databases (gnomAD no frequency). This sequence change replaces valine, which is neutral and non-polar, with aspartic acid, which is acidic and polar, at codon 179 of the SLC12A3 protein (p.Val179Asp).

Juno Genomics, Hangzhou Juno Genomics, Inc
Classification: Likely pathogenic for Familial hypokalemia-hypomagnesemia. Review status: criteria provided, single submitter. Criteria: ACMG Guidelines, 2015. Collection method: clinical testing. Allele origin: germline.
Comment: Absent from controls (or at extremely low frequency if recessive) in Genome Aggregation Database.;Multiple lines of computational evidence support a deleterious effect on the gene or gene product.;For recessive disorders, detected in trans with a pathogenic variant.;Patient's phenotype or family history is highly specific for a disease with a single genetic etiology.

Literature cited by the submitters: PubMed 26770037 (cited by Labcorp Genetics (formerly Invitae), Labcorp); PubMed 27454426 (cited by Labcorp Genetics (formerly Invitae), Labcorp); PubMed 33024786 (cited by Labcorp Genetics (formerly Invitae), Labcorp).